The following is an entry in ClinVar:

ClinVar aggregate classification (germline): Pathogenic (1 of 4 stars; one submission).

Conditions:
Kabuki syndrome 1 (KABUK1). Also called: KMT2D-Related Kabuki Syndrome. Identifiers: Orphanet 2322, MedGen CN030661, MONDO:0007843, OMIM 147920.

Submission:

Illumina Laboratory Services, Illumina
Classification: Pathogenic for Kabuki syndrome 1. Last evaluated: 2018-02-20. Review status: criteria provided, single submitter. Criteria: ICSLVariantClassificationCriteria RUGD 01 April 2020. Collection method: clinical testing. Allele origin: unknown.
Comment: The KMT2D c.11806C>T p.(Gln3936Ter) nonsense variant results in the loss of normal protein function through either protein truncation or nonsense-mediated mRNA decay. To our knowledge, the p.(Gln3936Ter) has not been reported in the literature in association with Kabuki syndrome. However, this variant is located in a long stretch of glutamine residues interrupted by leucine residues and several truncating variants at nearby glutamine positions have been reported in individuals with Kabuki syndrome (Hannibal et al. 2011; Miyaki et al. 2013; Micale et al. 2014). This variant is not observed in the Genome Aggregation Database (version 2.1.1). Based on the evidence, the c.11806C>T p.(Gln3936Ter) variant is classified as pathogenic for Kabuki syndrome.

NM_003482.4(KMT2D):c.11806C>T (p.Gln3936Ter)

Gene: KMT2D (lysine methyltransferase 2D; minus strand). Cytogenetic location: 12q13.12.
Variant type: single nucleotide variant.
Coding change: c.11806C>T on transcript NM_003482.4 (MANE Select); coding-DNA position 11806, C replaced by T.
Protein change: p.Gln3936Ter; replaces glutamine 3936 with a stop codon.
Molecular consequence: nonsense.
Genome position (GRCh38, 1-based): chr12:49,032,899, G>A on the plus strand (C>T on the coding strand, the complement: KMT2D is on the minus strand). VCF-style: chr12-49032899-G-A. GRCh37 (hg19) VCF-style: chr12-49426682-G-A.
Other names: short protein forms Q3936*.
Identifiers: ClinVar variation 3062055 (VCV003062055.1), dbSNP rs2498360855, ClinGen allele CA384715193.
Genomic context (GRCh38, chr12:49,032,899, plus strand): 5'-GTAGCTGCTGTTGCTGCTGTTGAAGCTGTTGCTGCTGCTGTTGTTGAAGCTGCTGCTGCT[G>A]TTGCTGCTGTTGAAGCTGTTGCTGCTGAAGTTGCTGTTGCTGTTGTAGCTGCTGCTGCTG-3'